The following is an entry in ClinVar:

NM_016306.6(DNAJB11):c.537_543del (p.Gln179fs)

Gene: DNAJB11 (DnaJ heat shock protein family (Hsp40) member B11; plus strand). Cytogenetic location: 3q27.3.
Variant type: Deletion.
Coding change: c.537_543del on transcript NM_016306.6 (MANE Select); coding-DNA positions 537 to 543, 7 bases deleted (GCTGGGC; older notation c.537_543delGCTGGGC).
Protein change: p.Gln179fs; shifts the reading frame from glutamine 179.
Molecular consequence: frameshift variant. On other transcripts: non-coding transcript variant (5), intron variant (1).
Genome position (GRCh38, 1-based): chr3:186,581,451-186,581,457, GCTGGGC deleted. VCF-style (leftmost placement, unchanged base first): chr3-186581450-AGCTGGGC-A. GRCh37 (hg19) VCF-style: chr3-186299239-AGCTGGGC-A.
Other names: c.324-544_324-538del (NM_001378451.1); short protein forms Q179fs.
Identifiers: ClinVar variation 3377507 (VCV003377507.1).
Genomic context (GRCh38, chr3:186,581,450, plus strand): 5'-TGGCAAGGCAGGCTCCTGGCAAACGGAAGTGCAATTGTCGGCAAGAGATGCGGACCACCC[AGCTGGGC>A]CCTGGGCGCTTCCAAATGACCCAGGAGGTGGTCTGCGACGAATGCCCTAATGTCAAGTAA-3'

ClinVar aggregate classification (germline): Pathogenic (1 of 4 stars; one submission).

Conditions:
Polycystic kidney disease 6 with or without polycystic liver disease. Also called: Autosomal Dominant Polycystic Kidney Disease-DNAJB11. Identifiers: MedGen C4748044, MONDO:0054842, OMIM 618061.

Submission:

Victorian Clinical Genetics Services, Murdoch Childrens Research Institute
Classification: Pathogenic for Polycystic kidney disease 6 with or without polycystic liver disease. Last evaluated: 2022-06-24. Review status: criteria provided, single submitter. Criteria: ACMG Guidelines, 2015. Collection method: clinical testing. Allele origin: germline. Inheritance: Autosomal dominant inheritance.
Comment: Based on the classification scheme VCGS_Germline_v1.3.4, this variant is classified as Pathogenic. Following criteria are met: 0102 - Loss of function is a known mechanism of disease in this gene and is associated with polycystic kidney disease 6 with or without polycystic liver disease (MIM#618061) and Ivemark II syndrome (PMID: 33129895). (I) 0108 - This gene is associated with both recessive and dominant disease. Biallelic variants result in a more severe, early onset form of disease (PMID: 34177435, PMID: 33129895). (I) 0201 - Variant is predicted to cause nonsense-mediated decay (NMD) and loss of protein (premature termination codon is located at least 54 nucleotides upstream of the final exon-exon junction). (SP) 0251 - This variant is heterozygous. (I) 0301 - Variant is absent from gnomAD (both v2 and v3). (SP) 0701 - Other NMD-predicted variants comparable to the one identified in this case have very strong previous evidence for pathogenicity. These variants have been reported as pathogenic, and observed in many individuals with atypical polycystic kidney disease or DNAJB11-related kidney disease (ClinVar, PMID: 32631624, PMID: 29706351). (SP) 0807 - This variant has no previous evidence of pathogenicity. (I) 0905 - No published segregation evidence has been identified for this variant. (I) 1007 - No published functional evidence has been identified for this variant. (I) Legend: (SP) - Supporting pathogenic, (I) - Information, (SB) - Supporting benign

Literature cited by the submitters: PubMed 29706351; PubMed 32631624; PubMed 33129895; PubMed 34177435.